The following is an entry in ClinVar:

NM_182914.3(SYNE2):c.2402A>G (p.Gln801Arg)

Gene: SYNE2 (spectrin repeat containing nuclear envelope protein 2; plus strand). Cytogenetic location: 14q23.2.
Variant type: single nucleotide variant.
Coding change: c.2402A>G on transcript NM_182914.3 (MANE Select); coding-DNA position 2402, A replaced by G.
Protein change: p.Gln801Arg; replaces glutamine 801 with arginine.
Molecular consequence: missense variant.
Genome position (GRCh38, 1-based): chr14:63,990,499, A>G. VCF-style: chr14-63990499-A-G. GRCh37 (hg19) VCF-style: chr14-64457217-A-G.
Other names: c.2402A>G, p.Gln801Arg (NM_015180.6); short protein forms Q801R.
Identifiers: ClinVar variation 470968 (VCV000470968.39), dbSNP rs200848069, ClinGen allele CA7219679.

ClinVar aggregate classification (germline): Conflicting classifications of pathogenicity. Review status: criteria provided, conflicting classifications (1 of 4 stars). 6 submissions from 6 submitters: Uncertain significance (2); Benign (1); Likely benign (2). 1 of the submissions does not count toward it. Last evaluated 2026-02-01.

Conditions:
SYNE2-related disorder. Also called: SYNE2-related condition.
Emery-Dreifuss muscular dystrophy 5, autosomal dominant (EDMD5). Also called: EMERY-DREIFUSS MUSCULAR DYSTROPHY 5. Identifiers: Orphanet 261, MedGen C2751805, MONDO:0013072, OMIM 612999.

Allele frequency attached by ClinVar (database versions not stated): ExAC 0.00036; gnomAD exomes 0.00040 and 0.00055; gnomAD 0.00041; TOPMed 0.00043; ESP Exome Variant Server 0.00067.
gnomAD v4.1: 862 of 1,613,906 alleles (0.053%); highest among the groups gnomAD compares: Non-Finnish European, 0.067%; 1 homozygote.

Submissions (6):

Labcorp Genetics (formerly Invitae), Labcorp
Classification: Likely benign for Emery-Dreifuss muscular dystrophy 5, autosomal dominant. Last evaluated: 2026-02-01. Review status: criteria provided, single submitter. Criteria: Invitae Variant Classification Sherloc (09022015). Collection method: clinical testing. Allele origin: germline.

Blueprint Genetics
Classification: Likely benign. Last evaluated: 2024-10-01. Review status: criteria provided, single submitter. Criteria: ACMG Guidelines, 2015. Collection method: clinical testing. Allele origin: germline.

CeGaT Center for Human Genetics Tuebingen
Classification: Uncertain significance. Last evaluated: 2024-01-01. Review status: criteria provided, single submitter. Criteria: CeGaT Center For Human Genetics Tuebingen Variant Classification Criteria Version 2. Collection method: clinical testing. Allele origin: germline. Affected: yes. Observed: 1 variant allele.
Comment: SYNE2: PM2, BP4

Ambry Genetics
Classification: Uncertain significance. Last evaluated: 2023-12-31. Review status: criteria provided, single submitter. Criteria: Ambry Variant Classification Scheme 2023. Collection method: clinical testing. Allele origin: germline.

Illumina Laboratory Services, Illumina
Classification: Benign for Emery-Dreifuss muscular dystrophy 5, autosomal dominant. Last evaluated: 2018-01-13. Review status: criteria provided, single submitter. Criteria: ICSL Variant Classification Criteria 13 December 2019. Collection method: clinical testing. Allele origin: germline.
Comment: This variant was observed in the ICSL laboratory as part of a predisposition screen in an ostensibly healthy population. It had not been previously curated by ICSL or reported in the Human Gene Mutation Database (HGMD: prior to June 1st, 2018), and was therefore a candidate for classification through an automated scoring system. Utilizing variant allele frequency, disease prevalence and penetrance estimates, and inheritance mode, an automated score was calculated to assess if this variant is too frequent to cause the disease. Based on the score and internal cut-off values, a variant classified as benign is not then subjected to further curation. The score for this variant resulted in a classification of benign for this disease.

PreventionGenetics, part of Exact Sciences
Classification: Likely benign for SYNE2-related condition. Last evaluated: 2022-06-27. Review status: no assertion criteria provided. Collection method: clinical testing. Allele origin: germline. Not counted in ClinVar's aggregate classification.
Comment: This variant is classified as likely benign based on ACMG/AMP sequence variant interpretation guidelines (Richards et al. 2015 PMID: 25741868, with internal and published modifications).